The following is an entry in ClinVar:

ClinVar aggregate classification (germline): Likely pathogenic (1 of 4 stars; one submission).

Conditions:
Arthrogryposis multiplex congenita 3, myogenic type. Also called: ARTHROGRYPOSIS MULTIPLEX CONGENITA, MYOGENIC TYPE. Identifiers: MedGen C5193121, MONDO:0032778, OMIM 618484.

Submission:

Neuberg Centre For Genomic Medicine, NCGM
Classification: Likely pathogenic for Arthrogryposis multiplex congenita 3, myogenic type. Review status: criteria provided, single submitter. Criteria: ACMG Guidelines, 2015. Collection method: clinical testing. Allele origin: germline. Inheritance: Autosomal recessive inheritance. Affected: yes.
Comment: This stop gained variant has not been reported previously as a pathogenic variant nor as a benign. The c.8861C>A (p.Ser2954Ter) variant is novel (not in any individuals) in gnomAD Exomes and is novel (not in any individuals) in 1000 Genomes. This variant is predicted to cause loss of normal protein function through protein truncation. Loss of function variants have been previously reported to be disease causing. For these reasons, this variant has been classified as Likely Pathogenic.

NM_182961.4(SYNE1):c.8861C>A (p.Ser2954Ter)

Genes: SYNE1 (spectrin repeat containing nuclear envelope protein 1; minus strand), SYNE1-AS1 (SYNE1 antisense RNA 1; plus strand). Cytogenetic location: 6q25.2.
Variant type: single nucleotide variant.
Coding change: c.8861C>A on transcript NM_182961.4 (MANE Select); coding-DNA position 8861, C replaced by A.
Protein change: p.Ser2954Ter; replaces serine 2954 with a stop codon.
Molecular consequence: nonsense. On other transcripts: non-coding transcript variant (1).
Genome position (GRCh38, 1-based): chr6:152,381,154, G>T on the plus strand (C>A on the coding strand, the complement: SYNE1 is on the minus strand). VCF-style: chr6-152381154-G-T. GRCh37 (hg19) VCF-style: chr6-152702289-G-T.
Other names: c.8882C>A, p.Ser2961Ter (NM_033071.5); short protein forms S2954*, S2961*.
Identifiers: ClinVar variation 2585071 (VCV002585071.1), dbSNP rs145819043, ClinGen allele CA366144181.